The following is an entry in ClinVar:

ClinVar aggregate classification (germline): Benign/Likely benign. Review status: criteria provided, multiple submitters, no conflicts (2 of 4 stars). 3 submissions from 3 submitters: Benign (1); Likely benign (1). 1 of the submissions does not count toward it. Last evaluated 2024-05-04.

Conditions:
PIEZO1-related disorder. Also called: PIEZO1-related condition; PIEZO1-Related Disorders.

Allele frequency attached by ClinVar (database versions not stated): TOPMed 0.00015; gnomAD 0.00018; 1000 Genomes Project 0.00020; 1000 Genomes Project 30x 0.00047; ExAC 0.00013.
gnomAD v4.1: 212 of 1,548,358 alleles (0.014%); highest among the groups gnomAD compares: East Asian, 0.042%; no homozygotes.

Submissions (3):

Labcorp Genetics (formerly Invitae), Labcorp
Classification: Benign. Last evaluated: 2024-05-04. Review status: criteria provided, single submitter. Criteria: Invitae Variant Classification Sherloc (09022015). Collection method: clinical testing. Allele origin: germline.

ARUP Laboratories, Molecular Genetics and Genomics, ARUP Laboratories
Classification: Likely benign. Last evaluated: 2023-09-07. Review status: criteria provided, single submitter. Criteria: ARUP Molecular Germline Variant Investigation Process 2024. Collection method: clinical testing. Allele origin: germline.

PreventionGenetics, part of Exact Sciences
Classification: Likely benign for PIEZO1-related condition. Last evaluated: 2019-11-04. Review status: no assertion criteria provided. Collection method: clinical testing. Allele origin: germline. Not counted in ClinVar's aggregate classification.
Comment: This variant is classified as likely benign based on ACMG/AMP sequence variant interpretation guidelines (Richards et al. 2015 PMID: 25741868, with internal and published modifications).

NM_001142864.4(PIEZO1):c.4998G>A (p.Ala1666=)

Gene: PIEZO1 (piezo type mechanosensitive ion channel component 1 (Er blood group); minus strand). Cytogenetic location: 16q24.3.
Variant type: single nucleotide variant.
Coding change: c.4998G>A on transcript NM_001142864.4 (MANE Select); coding-DNA position 4998, G replaced by A.
Protein change: p.Ala1666=; no amino-acid change (alanine 1666 retained).
Molecular consequence: synonymous variant.
Genome position (GRCh38, 1-based): chr16:88,722,024, C>T on the plus strand (G>A on the coding strand, the complement: PIEZO1 is on the minus strand). VCF-style: chr16-88722024-C-T. GRCh37 (hg19) VCF-style: chr16-88788432-C-T.
Other names: c.4998G>A (NM_001142864.3); c.3540G>A, p.Ala1180= (NM_014745.1).
Identifiers: ClinVar variation 2921209 (VCV002921209.5), dbSNP rs571925388, ClinGen allele CA8231974.